The following is an entry in ClinVar:

ClinVar aggregate classification (germline): Likely pathogenic (1 of 4 stars; one submission).

Conditions:
Inborn genetic diseases. Identifiers: MedGen C0950123, MeSH D030342.

Submission:

Ambry Genetics
Classification: Likely pathogenic for Inborn genetic diseases. Last evaluated: 2017-09-08. Review status: criteria provided, single submitter. Criteria: Ambry Variant Classification Scheme 2023. Collection method: clinical testing. Allele origin: germline.
Comment: The c.938-8_939del10 variant results from a deletion of 2 nucleotides located at positions 938 to 939 in coding exon 9 of the TUSC3 gene, as well as the first 8 intronic nucleotides before this coding exon. Using the BDGP and ESEfinder splice site prediction tools, this alteration is predicted to abolish the native splice acceptor site and create a new alternate splice acceptor site; however, direct evidence is unavailable. Alterations that disrupt the canonical splice site are expected to cause aberrant splicing, resulting in an abnormal protein or a transcript that is subject to nonsense-mediated mRNA decay. As such, this alteration is classified as likely pathogenic.

NM_006765.4(TUSC3):c.938-8_939del

Gene: TUSC3 (tumor suppressor candidate 3; plus strand). Cytogenetic location: 8p22.
Variant type: Deletion.
Coding change: c.938-8_939del on transcript NM_006765.4 (MANE Select); 8 bases into the intron before coding-DNA position 938 through coding-DNA position 939, 10 bases deleted (GTTTCTAGTA; older notation c.938-8_939delGTTTCTAGTA).
Molecular consequence: splice acceptor variant.
Genome position (GRCh38, 1-based): chr8:15,748,367-15,748,376, GTTTCTAGTA deleted. VCF-style (leftmost placement, unchanged base first): chr8-15748366-TGTTTCTAGTA-T. GRCh37 (hg19) VCF-style: chr8-15605875-TGTTTCTAGTA-T.
Other names: c.938-8_939del (NM_178234.2, NM_001356429.2).
Identifiers: ClinVar variation 1766755 (VCV001766755.2), dbSNP rs2486222306, ClinGen allele CA2580078018.